The following is an entry in ClinVar:

NM_001042492.3(NF1):c.2450dup (p.Met817fs)

Gene: NF1 (neurofibromin 1; plus strand). Cytogenetic location: 17q11.2.
Variant type: Duplication.
Coding change: c.2450dup on transcript NM_001042492.3 (MANE Select); coding-DNA position 2450, one base duplicated (T; older notation c.2450dupT).
Protein change: p.Met817fs; shifts the reading frame from methionine 817.
Molecular consequence: frameshift variant.
Genome position (GRCh38, 1-based): chr17:31,229,065, T duplicated. VCF-style (leftmost placement, unchanged base first): chr17-31229064-A-AT. GRCh37 (hg19) VCF-style: chr17-29556082-A-AT.
Other names: c.2450dup, p.Met817Ilefs (NM_000267.4); short protein forms M817fs.
Identifiers: ClinVar variation 1431255 (VCV001431255.6), dbSNP rs2151428891, ClinGen allele CA2573153289.
Genomic context (GRCh38, chr17:31,229,064, plus strand): 5'-GCACAAAAATTTTGTGTTTAGGCTGCTGAAAGCCTTCACAAGACCATTGTTAAGAGGCGA[A>AT]TGTCCCATGTGAGTGGAGGAGGATCCATAGATTTGTCTGACACAGACTCCCTACAGGAAT-3'

ClinVar aggregate classification (germline): Pathogenic (1 of 4 stars; one submission).

Conditions:
Neurofibromatosis, type 1 (NF1). Also called: Peripheral type neurofibromatosis; VON RECKLINGHAUSEN DISEASE; NEUROFIBROMATOSIS, TYPE I, SOMATIC; Neurofibromatosis, type I. Identifiers: Orphanet 636, MedGen C0027831, MONDO:0018975, OMIM 162200. Disease mechanism: loss of function.

Submission:

Labcorp Genetics (formerly Invitae), Labcorp
Classification: Pathogenic for Neurofibromatosis, type 1. Last evaluated: 2021-08-23. Review status: criteria provided, single submitter. Criteria: Invitae Variant Classification Sherloc (09022015). Collection method: clinical testing. Allele origin: germline.
Comment: This sequence change creates a premature translational stop signal (p.Met817Ilefs*14) in the NF1 gene. It is expected to result in an absent or disrupted protein product. Loss-of-function variants in NF1 are known to be pathogenic (PMID: 10712197, 23913538). This variant is not present in population databases (ExAC no frequency). This variant has not been reported in the literature in individuals affected with NF1-related conditions. For these reasons, this variant has been classified as Pathogenic.

Literature cited by the submitters: PubMed 10712197; PubMed 23913538.